The following is an entry in ClinVar:

NM_198859.4(PRICKLE2):c.188A>T (p.Tyr63Phe)

Gene: PRICKLE2 (prickle planar cell polarity protein 2; minus strand). Cytogenetic location: 3p14.1.
Variant type: single nucleotide variant.
Coding change: c.188A>T on transcript NM_198859.4 (MANE Select); coding-DNA position 188, A replaced by T.
Protein change: p.Tyr63Phe; replaces tyrosine 63 with phenylalanine.
Molecular consequence: missense variant.
Genome position (GRCh38, 1-based): chr3:64,163,086, T>A on the plus strand (A>T on the coding strand, the complement: PRICKLE2 is on the minus strand). VCF-style: chr3-64163086-T-A. GRCh37 (hg19) VCF-style: chr3-64148762-T-A.
Other names: c.188A>T, p.Tyr63Phe (NM_001370528.1); short protein forms Y63F.
Identifiers: ClinVar variation 1008225 (VCV001008225.6), dbSNP rs2077761285, ClinGen allele CA353437329.
Genomic context (GRCh38, chr3:64,163,086, plus strand): 5'-TGTGGCGGCAGCTGGTGTAGTAGCTGCTTGATTCGCAGTTTCTCTCCAGGACTGTTGACA[T>A]AAGGGACTTTCTCTTCTGGGAGACAGCTATAGTACTGGTGTACCTGAAGGACAGAAAGCA-3'
Protein context (NP_942559.1, residues 53-73): YSCLPEEKVP[Tyr63Phe]VNSPGEKLRI

ClinVar aggregate classification (germline): Uncertain significance. Review status: criteria provided, multiple submitters, no conflicts (2 of 4 stars). 2 submissions from 2 submitters: Uncertain significance (2). Last evaluated 2024-11-26.

Conditions:
Progressive myoclonic epilepsy type 5. Identifiers: Orphanet 402082, MedGen C5190799.

gnomAD v4.1: 1 of 1,613,900 alleles (0.000062%); highest among the groups gnomAD compares: Non-Finnish European, 0.000085%; no homozygotes.

Submissions (2):

Blueprint Genetics
Classification: Uncertain significance. Last evaluated: 2024-11-26. Review status: criteria provided, single submitter. Criteria: ACMG Guidelines, 2015. Collection method: clinical testing. Allele origin: germline.

Labcorp Genetics (formerly Invitae), Labcorp
Classification: Uncertain significance for Progressive myoclonic epilepsy type 5. Last evaluated: 2024-06-25. Review status: criteria provided, single submitter. Criteria: Invitae Variant Classification Sherloc (09022015). Collection method: clinical testing. Allele origin: germline.
Comment: This sequence change replaces tyrosine, which is neutral and polar, with phenylalanine, which is neutral and non-polar, at codon 63 of the PRICKLE2 protein (p.Tyr63Phe). This variant is not present in population databases (gnomAD no frequency). This variant has not been reported in the literature in individuals affected with PRICKLE2-related conditions. ClinVar contains an entry for this variant (Variation ID: 1008225). Advanced modeling of protein sequence and biophysical properties (such as structural, functional, and spatial information, amino acid conservation, physicochemical variation, residue mobility, and thermodynamic stability) performed at Invitae indicates that this missense variant is expected to disrupt PRICKLE2 protein function with a positive predictive value of 80%. In summary, the available evidence is currently insufficient to determine the role of this variant in disease. Therefore, it has been classified as a Variant of Uncertain Significance.